The following is an entry in ClinVar:

NM_212552.3(BOLA3):c.54G>C (p.Gly18=)

Gene: BOLA3 (bolA family member 3; minus strand). Cytogenetic location: 2p13.1.
Variant type: single nucleotide variant.
Coding change: c.54G>C on transcript NM_212552.3 (MANE Select); coding-DNA position 54, G replaced by C.
Protein change: p.Gly18=; no amino-acid change (glycine 18 retained).
Molecular consequence: synonymous variant.
Genome position (GRCh38, 1-based): chr2:74,147,821, C>G on the plus strand (G>C on the coding strand, the complement: BOLA3 is on the minus strand). VCF-style: chr2-74147821-C-G. GRCh37 (hg19) VCF-style: chr2-74374948-C-G.
Other names: c.54G>C, p.Gly18= (NM_001035505.2).
Identifiers: ClinVar variation 1485090 (VCV001485090.6), dbSNP rs561205328, ClinGen allele CA50436010.
Genomic context (GRCh38, chr2:74,147,821, plus strand): 5'-CCGCGGTCCCTCCGCAGCTCCCGTCCCGGGGAGAGCAGCCCCGACCCTGCCCACGCTCAC[C>G]CCGCGGATCCCGCGGAGGAGAGGCGCTGCCGCGGCCGGGCTCCATGCAGCCATGCCCGGC-3'
Protein context (NP_997717.2, residues 8-28): AAAPLLRGIR[Gly18=]LPLHHRMFAT

ClinVar aggregate classification (germline): Uncertain significance (1 of 4 stars; one submission).

gnomAD v4.1: 3 of 1,528,624 alleles (0.0002%); highest among the groups gnomAD compares: Non-Finnish European, 0.00017%; no homozygotes.

Submission:

Labcorp Genetics (formerly Invitae), Labcorp
Classification: Uncertain significance. Last evaluated: 2022-03-27. Review status: criteria provided, single submitter. Criteria: Invitae Variant Classification Sherloc (09022015). Collection method: clinical testing. Allele origin: germline.
Comment: In summary, the available evidence is currently insufficient to determine the role of this variant in disease. Therefore, it has been classified as a Variant of Uncertain Significance. Variants that disrupt the consensus splice site are a relatively common cause of aberrant splicing (PMID: 17576681, 9536098). Algorithms developed to predict the effect of sequence changes on RNA splicing suggest that this variant may disrupt the consensus splice site. This variant has not been reported in the literature in individuals affected with BOLA3-related conditions. This variant is present in population databases (no rsID available, gnomAD 0.002%). This sequence change affects codon 18 of the BOLA3 mRNA. It is a 'silent' change, meaning that it does not change the encoded amino acid sequence of the BOLA3 protein. This variant also falls at the last nucleotide of exon 1, which is part of the consensus splice site for this exon.

Literature cited by the submitters: PubMed 17576681; PubMed 9536098.